The following is an entry in ClinVar:

ClinVar aggregate classification (germline): Likely benign. Review status: criteria provided, multiple submitters, no conflicts (2 of 4 stars). 2 submissions from 2 submitters: Likely benign (2). Last evaluated 2018-01-13.

Conditions:
Hypertrophic cardiomyopathy 12. Identifiers: MedGen C2677491, MONDO:0012804, OMIM 612124.

Allele frequency attached by ClinVar (database versions not stated): gnomAD exomes 0.00395; gnomAD 0.00320 and 0.00318; 1000 Genomes Project 0.00260; 1000 Genomes Project 30x 0.00265; TOPMed 0.00312.
gnomAD v4.1: 559 of 169,682 alleles (0.33%); highest among the groups gnomAD compares: Middle Eastern, 1.9%; 3 homozygotes.

Submissions (2):

Illumina Laboratory Services, Illumina
Classification: Likely benign for Hypertrophic cardiomyopathy 12. Last evaluated: 2018-01-13. Review status: criteria provided, single submitter. Criteria: ICSL Variant Classification Criteria 13 December 2019. Collection method: clinical testing. Allele origin: germline.
Comment: This variant was observed in the ICSL laboratory as part of a predisposition screen in an ostensibly healthy population. It had not been previously curated by ICSL or reported in the Human Gene Mutation Database (HGMD: prior to June 1st, 2018), and was therefore a candidate for classification through an automated scoring system. Utilizing variant allele frequency, disease prevalence and penetrance estimates, and inheritance mode, an automated score was calculated to assess if this variant is too frequent to cause the disease. Based on the score and internal cut-off values, a variant classified as likely benign is not then subjected to further curation. The score for this variant resulted in a classification of likely benign for this disease.

Breakthrough Genomics
Classification: Likely benign. Review status: criteria provided, single submitter. Criteria: ACMG Guidelines, 2015. Collection method: not provided. Allele origin: germline. Inheritance: Autosomal dominant inheritance. Affected: yes.

NM_003476.5(CSRP3):c.*450T>G

Gene: CSRP3 (cysteine and glycine rich protein 3; minus strand). Cytogenetic location: 11p15.1.
Variant type: single nucleotide variant.
Coding change: c.*450T>G on transcript NM_003476.5 (MANE Select); 450 bases downstream of the stop codon, T replaced by G.
Molecular consequence: 3 prime UTR variant.
Genome position (GRCh38, 1-based): chr11:19,182,220, A>C on the plus strand (T>G on the coding strand, the complement: CSRP3 is on the minus strand). VCF-style: chr11-19182220-A-C. GRCh37 (hg19) VCF-style: chr11-19203767-A-C.
Other names: c.*413T>G (NM_001369404.1).
Identifiers: ClinVar variation 303948 (VCV000303948.6), dbSNP rs45479995, ClinGen allele CA10638060.